The following is an entry in ClinVar:

NM_001277115.2(DNAH11):c.9826T>G (p.Leu3276Val)

Gene: DNAH11 (dynein axonemal heavy chain 11; plus strand). Cytogenetic location: 7p15.3.
Variant type: single nucleotide variant.
Coding change: c.9826T>G on transcript NM_001277115.2 (MANE Select); coding-DNA position 9826, T replaced by G.
Protein change: p.Leu3276Val; replaces leucine 3276 with valine.
Molecular consequence: missense variant.
Genome position (GRCh38, 1-based): chr7:21,787,485, T>G. VCF-style: chr7-21787485-T-G. GRCh37 (hg19) VCF-style: chr7-21827103-T-G.
Other names: short protein forms L3276V.
Identifiers: ClinVar variation 977533 (VCV000977533.15), dbSNP rs781418836, ClinGen allele CA155090188.

ClinVar aggregate classification (germline): Uncertain significance. Review status: criteria provided, multiple submitters, no conflicts (2 of 4 stars). 7 submissions from 7 submitters: Uncertain significance (7). Last evaluated 2026-08-03.

Conditions:
DNAH11-related disorder. Also called: DNAH11-related condition.
Primary ciliary dyskinesia 7. Also called: CILIARY DYSKINESIA, PRIMARY, 7, WITH OR WITHOUT SITUS INVERSUS. Identifiers: Orphanet 244, MedGen C2678473, MONDO:0012748, OMIM 611884.
Primary ciliary dyskinesia. Also called: Ciliary dyskinesia. Identifiers: Orphanet 244, MedGen C0008780, MONDO:0016575, HP:0012265.

Submissions (7):

PreventionGenetics, part of Exact Sciences
Classification: Uncertain significance for DNAH11-related condition. Last evaluated: 2026-08-03. Review status: criteria provided, single submitter. Criteria: ACMG Guidelines, 2015. Collection method: clinical testing. Allele origin: germline.
Comment: The DNAH11 c.9826T>G variant is predicted to result in the amino acid substitution p.Leu3276Val. This variant was reported in an infant with heterotaxy and congenital heart disease; however, no second variant was identified in DNAH11, variants were reported in other genes associated with primary ciliary dyskinesia (PCD), and the authors stated genetic test results were non-diagnostic for PCD (DOI 10.3233/TRD-230059). This variant has not been reported in a large population database, indicating this variant is rare. At this time, the clinical significance of this variant is uncertain due to the absence of conclusive functional and genetic evidence.

Women's Health and Genetics/Laboratory Corporation of America, LabCorp
Classification: Uncertain significance. Last evaluated: 2026-04-02. Review status: criteria provided, single submitter. Criteria: LabCorp Variant Classification Summary - May 2015. Collection method: clinical testing. Allele origin: germline.
Comment: Variant summary: DNAH11 c.9826T>G (p.Leu3276Val) results in a conservative amino acid change in the encoded protein sequence. Algorithms developed to predict the effect of missense changes on protein structure and function are either unavailable or do not agree on the potential impact of this missense change. The variant was absent in 248732 control chromosomes. The available data on variant occurrences in the general population are insufficient to allow any conclusion about variant significance. c.9826T>G has been observed in the presumed compound heterozygous state in at least 1 individual(s) affected with Primary Ciliary Dyskinesia 7 (example, internal data). These data do not allow any conclusion about variant significance. To our knowledge, no experimental evidence demonstrating an impact on protein function has been reported. ClinVar contains an entry for this variant (Variation ID: 977533). Based on the evidence outlined above, the variant was classified as uncertain significance.

ARUP Laboratories, Molecular Genetics and Genomics, ARUP Laboratories
Classification: Uncertain significance for Primary ciliary dyskinesia 7. Last evaluated: 2025-05-05. Review status: criteria provided, single submitter. Criteria: ARUP Molecular Germline Variant Investigation Process 2024. Collection method: clinical testing. Allele origin: germline.
Comment: The DNAH11 c.9826T>G; p.Leu3276Val variant (rs781418836; ClinVar Variation ID: 977533), has been reported in a patient with complex congenital heart disease, but who did not have a genetic or clinical diagnosis of primary ciliary dyskinesia (Marquez 2023). This variant is absent from the Genome Aggregation Database, indicating it is not a common polymorphism. Computational analyses are uncertain whether this variant is neutral or deleterious (REVEL: 0.403). Due to limited information, the clinical significance of this variant is uncertain at this time. References: Marquez J et al. Ciliopathy Gene Variants and Perioperative Respiratory Outcomes in Infants with Heterotaxy Syndrome and Congenital Heart Disease. Transl Sci Rare Dis. 2023;6(3):59 -72.

Blueprint Genetics
Classification: Uncertain significance. Last evaluated: 2024-11-27. Review status: criteria provided, single submitter. Criteria: ACMG Guidelines, 2015. Collection method: clinical testing. Allele origin: germline.

Labcorp Genetics (formerly Invitae), Labcorp
Classification: Uncertain significance for Primary ciliary dyskinesia. Last evaluated: 2024-11-13. Review status: criteria provided, single submitter. Criteria: Invitae Variant Classification Sherloc (09022015). Collection method: clinical testing. Allele origin: germline.
Comment: This sequence change replaces leucine, which is neutral and non-polar, with valine, which is neutral and non-polar, at codon 3276 of the DNAH11 protein (p.Leu3276Val). This variant is not present in population databases (gnomAD no frequency). This missense change has been observed in individual(s) with clinical features of primary ciliary dyskinesia (internal data). ClinVar contains an entry for this variant (Variation ID: 977533). Invitae Evidence Modeling of protein sequence and biophysical properties (such as structural, functional, and spatial information, amino acid conservation, physicochemical variation, residue mobility, and thermodynamic stability) indicates that this missense variant is not expected to disrupt DNAH11 protein function with a negative predictive value of 95%. In summary, the available evidence is currently insufficient to determine the role of this variant in disease. Therefore, it has been classified as a Variant of Uncertain Significance.

UNC Molecular Genetics  Laboratory, University of North Carolina at Chapel Hill
Classification: Uncertain significance for Primary ciliary dyskinesia. Last evaluated: 2018-10-31. Review status: criteria provided, single submitter. Criteria: ACMG Guidelines, 2015. Collection method: clinical testing. Allele origin: germline. Observed: 1 compound heterozygote.

Ambry Genetics
Classification: Uncertain significance for Primary ciliary dyskinesia. Last evaluated: 2016-08-30. Review status: criteria provided, single submitter. Criteria: Ambry Variant Classification Scheme 2023. Collection method: clinical testing. Allele origin: germline.
Comment: The p.L3276V variant (also known as c.9826T>G), located in coding exon 60 of the DNAH11 gene, results from a T to G substitution at nucleotide position 9826. The leucine at codon 3276 is replaced by valine, an amino acid with highly similar properties. This variant was not reported in population based cohorts in the following databases: Database of Single Nucleotide Polymorphisms (Since supporting evidence is limited at this time, the clinical significance of this alteration remains unclear.dbSNP), NHLBI Exome Sequencing Project (ESP), and 1000 Genomes Project. In the ESP, this variant was not observed in 5946 samples (11892 alleles) with coverage at this position. This amino acid position is highly conserved in available vertebrate species.